The following is an entry in ClinVar:

ClinVar aggregate classification (germline): Pathogenic/Likely pathogenic. Review status: criteria provided, multiple submitters, no conflicts (2 of 4 stars). 2 submissions from 2 submitters: Pathogenic (1); Likely pathogenic (1). Last evaluated 2021-03-01.

Conditions:
Marfan syndrome (MFS). Also called: Marfan syndrome type 1; Marfan syndrome, classic; Marfan's syndrome; FBN1-Related Marfan Syndrome; MARFAN SYNDROME, TYPE I. Identifiers: Orphanet 284963, Orphanet 558, MedGen C0024796, MONDO:0007947, OMIM 154700.

Submissions (2):

Centre of Medical Genetics, University of Antwerp
Classification: Pathogenic for Marfan syndrome. Last evaluated: 2021-03-01. Review status: criteria provided, single submitter. Criteria: Submitter's publication. Collection method: research. Allele origin: unknown. Affected: yes.
Comment: PM2, PVS1, PP4

Center for Human Genetics, Inc
Classification: Likely pathogenic for Marfan syndrome. Last evaluated: 2016-11-01. Review status: criteria provided, single submitter. Criteria: ACMG Guidelines, 2015. Collection method: clinical testing. Allele origin: germline. Affected: yes.

NM_000138.5(FBN1):c.961_962del (p.Thr321fs)

Gene: FBN1 (fibrillin 1; minus strand). Cytogenetic location: 15q21.1.
Variant type: Microsatellite.
Coding change: c.961_962del on transcript NM_000138.5 (MANE Select); coding-DNA positions 961 to 962, 2 bases deleted (AC; older notation c.961_962delAC).
Protein change: p.Thr321fs; shifts the reading frame from threonine 321.
Molecular consequence: frameshift variant.
Genome position (GRCh38, 1-based): chr15:48,526,156-48,526,157, GT deleted on the plus strand (AC on the coding strand, the reverse complement: FBN1 is on the minus strand); deleting any 2 consecutive bases within chr15:48,526,156-48,526,159 gives the same sequence; the c. name uses the placement nearest the transcript's 3' end. VCF-style (leftmost placement, unchanged base first): chr15-48526155-GGT-G. GRCh37 (hg19) VCF-style: chr15-48818352-GGT-G.
Other names: c.961_962delAC (NM_000138.4); short protein forms T321fs.
Identifiers: ClinVar variation 547299 (VCV000547299.18), dbSNP rs1555401002, ClinGen allele CA658824881.